The following is an entry in ClinVar:

ClinVar aggregate classification (germline): Uncertain significance. Review status: criteria provided, multiple submitters, no conflicts (2 of 4 stars). 2 submissions from 2 submitters: Uncertain significance (2). Last evaluated 2022-10-07.

Conditions:
Inborn genetic diseases. Identifiers: MedGen C0950123, MeSH D030342.

Allele frequency attached by ClinVar (database versions not stated): ExAC 0.00002; gnomAD exomes 0.00002; TOPMed 0.00004; gnomAD 0.00005.
gnomAD v4.1: 37 of 1,614,086 alleles (0.0023%); highest among the groups gnomAD compares: Middle Eastern, 0.033%; no homozygotes.

Submissions (2):

GeneDx
Classification: Uncertain significance. Last evaluated: 2022-10-07. Review status: criteria provided, single submitter. Criteria: GeneDx Variant Classification Process June 2021. Collection method: clinical testing. Allele origin: germline. Affected: yes.
Comment: In silico analysis supports that this missense variant does not alter protein structure/function; Has not been previously published as pathogenic or benign to our knowledge

Ambry Genetics
Classification: Uncertain significance for Inborn genetic diseases. Last evaluated: 2021-08-09. Review status: criteria provided, single submitter. Criteria: Ambry Variant Classification Scheme 2023. Collection method: clinical testing. Allele origin: germline.

NM_001017995.3(SH3PXD2B):c.2572G>A (p.Val858Met)

Gene: SH3PXD2B (SH3 and PX domains 2B; minus strand). Cytogenetic location: 5q35.1.
Variant type: single nucleotide variant.
Coding change: c.2572G>A on transcript NM_001017995.3 (MANE Select); coding-DNA position 2572, G replaced by A.
Protein change: p.Val858Met; replaces valine 858 with methionine.
Molecular consequence: missense variant. On other transcripts: intron variant (1).
Genome position (GRCh38, 1-based): chr5:172,338,533, C>T on the plus strand (G>A on the coding strand, the complement: SH3PXD2B is on the minus strand). VCF-style: chr5-172338533-C-T. GRCh37 (hg19) VCF-style: chr5-171765537-C-T.
Other names: c.1188+7603G>A (NM_001308175.2); short protein forms V858M.
Identifiers: ClinVar variation 2241653 (VCV002241653.3), dbSNP rs758060713, ClinGen allele CA3560933.